The following is an entry in ClinVar:

ClinVar aggregate classification (germline): Uncertain significance. Review status: criteria provided, multiple submitters, no conflicts (2 of 4 stars). 3 submissions from 3 submitters: Uncertain significance (2). 1 of the submissions does not count toward it. Last evaluated 2026-04-06.

Conditions:
Inborn genetic diseases. Identifiers: MedGen C0950123, MeSH D030342.
Pulmonary fibrosis and/or bone marrow failure, Telomere-related, 3. Also called: PULMONARY FIBROSIS AND/OR BONE MARROW FAILURE SYNDROME, TELOMERE-RELATED, 3. Identifiers: Orphanet 2032, MedGen C4225346, MONDO:0014613, OMIM 616373.
Dyskeratosis congenita, autosomal recessive 5 (DKCB5). Identifiers: MedGen C3554656, MONDO:0014076, OMIM 615190.
Dyskeratosis congenita. Identifiers: Orphanet 1775, MedGen C0265965, MONDO:0015780.

Allele frequency attached by ClinVar (database versions not stated): ExAC 0.00001; gnomAD exomes 0.00001 and below 0.00001.
gnomAD v4.1: 10 of 1,611,900 alleles (0.00062%); highest among the groups gnomAD compares: East Asian, 0.0067%; no homozygotes.

Submissions (3):

Ambry Genetics
Classification: Uncertain significance for Inborn genetic diseases. Last evaluated: 2026-04-06. Review status: criteria provided, single submitter. Criteria: Ambry Variant Classification Scheme 2023. Collection method: clinical testing. Allele origin: germline.
Comment: The p.A990T variant (also known as c.2968G>A), located in coding exon 29 of the RTEL1 gene, results from a G to A substitution at nucleotide position 2968. The alanine at codon 990 is replaced by threonine, an amino acid with similar properties. This amino acid position is conserved. In addition, this alteration is predicted to be tolerated by in silico analysis. Based on the available evidence, the clinical significance of this variant remains unclear.

Labcorp Genetics (formerly Invitae), Labcorp
Classification: Uncertain significance for Dyskeratosis congenita, autosomal recessive 5; Pulmonary fibrosis and/or bone marrow failure, Telomere-related, 3. Last evaluated: 2022-07-05. Review status: criteria provided, single submitter. Criteria: Invitae Variant Classification Sherloc (09022015). Collection method: clinical testing. Allele origin: germline.
Comment: This sequence change replaces alanine, which is neutral and non-polar, with threonine, which is neutral and polar, at codon 1014 of the RTEL1 protein (p.Ala1014Thr). The frequency data for this variant in the population databases is considered unreliable, as metrics indicate poor data quality at this position in the gnomAD database. This variant has not been reported in the literature in individuals affected with RTEL1-related conditions. ClinVar contains an entry for this variant (Variation ID: 978528). Algorithms developed to predict the effect of missense changes on protein structure and function output the following: SIFT: "Tolerated"; PolyPhen-2: "Benign"; Align-GVGD: "Class C0". The threonine amino acid residue is found in multiple mammalian species, which suggests that this missense change does not adversely affect protein function. In summary, the available evidence is currently insufficient to determine the role of this variant in disease. Therefore, it has been classified as a Variant of Uncertain Significance.

Natera, Inc.
Classification: Uncertain significance for Dyskeratosis congenita. Last evaluated: 2020-08-10. Review status: no assertion criteria provided. Collection method: clinical testing. Allele origin: germline. Not counted in ClinVar's aggregate classification.

NM_001283009.2(RTEL1):c.2968G>A (p.Ala990Thr)

Genes: RTEL1 (regulator of telomere elongation helicase 1; plus strand), RTEL1-TNFRSF6B (RTEL1-TNFRSF6B readthrough (NMD candidate); plus strand). Cytogenetic location: 20q13.33.
Variant type: single nucleotide variant.
Coding change: c.2968G>A on transcript NM_001283009.2 (MANE Select); coding-DNA position 2968, G replaced by A.
Protein change: p.Ala990Thr; replaces alanine 990 with threonine.
Molecular consequence: missense variant. On other transcripts: non-coding transcript variant (1).
Genome position (GRCh38, 1-based): chr20:63,693,259, G>A. VCF-style: chr20-63693259-G-A. GRCh37 (hg19) VCF-style: chr20-62324612-G-A.
Other names: c.2299G>A, p.Ala767Thr (NM_001283010.1); c.2968G>A, p.Ala990Thr (NM_016434.4); c.3040G>A, p.Ala1014Thr (NM_032957.5); short protein forms A1014T, A990T, A767T.
Identifiers: ClinVar variation 978528 (VCV000978528.8), dbSNP rs751124641, ClinGen allele CA9965679.
Genomic context (GRCh38, chr20:63,693,259, plus strand): 5'-CAGCTGACAGGACGAGGCTGTGGCTATCGGCCTGAGCACAGCATTCCCCGAAGGCAGCGG[G>A]CACAGCCGGTCCTGGACCCCACTGGTAAATGGGGCCCCAGGTGGGACCCTCAGACTCCTG-3'
Protein context (NP_001269938.1, residues 980-1000): PEHSIPRRQR[Ala990Thr]QPVLDPTGRT